The following is an entry in ClinVar:

NM_002880.4(RAF1):c.1016G>A (p.Ser339Asn)

Gene: RAF1 (Raf-1 proto-oncogene, serine/threonine kinase; minus strand). Cytogenetic location: 3p25.2.
Variant type: single nucleotide variant.
Coding change: c.1016G>A on transcript NM_002880.4 (MANE Select); coding-DNA position 1016, G replaced by A.
Protein change: p.Ser339Asn; replaces serine 339 with asparagine.
Molecular consequence: missense variant. On other transcripts: non-coding transcript variant (3).
Genome position (GRCh38, 1-based): chr3:12,599,783, C>T on the plus strand (G>A on the coding strand, the complement: RAF1 is on the minus strand). VCF-style: chr3-12599783-C-T. GRCh37 (hg19) VCF-style: chr3-12641282-C-T.
Other names: c.1076G>A, p.Ser359Asn (NM_001354689.3); c.1016G>A, p.Ser339Asn (NM_001354690.3); c.773G>A, p.Ser258Asn (NM_001354691.3, NM_001354692.3); c.917G>A, p.Ser306Asn (NM_001354693.3); c.833G>A, p.Ser278Asn (NM_001354694.3); c.674G>A, p.Ser225Asn (NM_001354695.3); short protein forms S339N, S225N, S258N, S278N, S359N, S306N.
Identifiers: ClinVar variation 372935 (VCV000372935.1), dbSNP rs1057518084, ClinGen allele CA16042475.
Genomic context (GRCh38, chr3:12,599,783, plus strand): 5'-GAGCCTGACCCAATCCGAGTGGACAGCATCACTTCACTGGCTTCTATTTCCCAATAATAG[C>T]TTGAATCTCTCTGTCCACGAGGCCTCTGAAACAAGTAGAGATCATTATTATACTCCATGC-3'
Protein context (NP_002871.1, residues 329-349): KIRPRGQRDS[Ser339Asn]YYWEIEASEV

ClinVar aggregate classification (germline): Uncertain significance (1 of 4 stars; one submission).

Submission:

GeneDx
Classification: Uncertain significance. Last evaluated: 2016-04-28. Review status: criteria provided, single submitter. Criteria: GeneDx Variant Classification (06012015). Collection method: clinical testing. Allele origin: germline. Affected: yes.
Comment: The S339N variant has not been published as a pathogenic variant or been reported as a benign variant to our knowledge. This variant was not observed in approximately 6,500 individuals of European and African American ancestry in the NHLBI Exome Sequencing Project, indicating it is not a common benign variant in these populations. The S339N variant occurs at a position that is conserved across species. Nevertheless, this substitution is a conservative amino acid substitution, which is not likely to impact secondary protein structure as these residues share similar properties. Consequently, in silico analysis is inconsistent in its predictions as to whether or not the variant is damaging to the protein structure/function.Therefore, based on the currently available information, it is unclear whether this variant is pathogenic or benign